The following is an entry in ClinVar:

NM_022166.4(XYLT1):c.1826T>C (p.Ile609Thr)

Genes: XYLT1 (xylosyltransferase 1; minus strand), LOC102723692 (uncharacterized LOC102723692; plus strand). Cytogenetic location: 16p12.3.
Variant type: single nucleotide variant.
Coding change: c.1826T>C on transcript NM_022166.4 (MANE Select); coding-DNA position 1826, T replaced by C.
Protein change: p.Ile609Thr; replaces isoleucine 609 with threonine.
Molecular consequence: missense variant.
Genome position (GRCh38, 1-based): chr16:17,134,674, A>G on the plus strand (T>C on the coding strand, the complement: XYLT1 is on the minus strand). VCF-style: chr16-17134674-A-G. GRCh37 (hg19) VCF-style: chr16-17228531-A-G.
Other names: c.1826T>C (NM_022166.3); short protein forms I609T.
Identifiers: ClinVar variation 1428576 (VCV001428576.7), dbSNP rs141257295, ClinGen allele CA7927759.

ClinVar aggregate classification (germline): Uncertain significance. Review status: criteria provided, multiple submitters, no conflicts (2 of 4 stars). 2 submissions from 2 submitters: Uncertain significance (2). Last evaluated 2022-11-22.

Conditions:
Desbuquois dysplasia 1 (DBQD1). Also called: DESBUQUOIS DYSPLASIA 1, KIM VARIANT; MICROMELIC DWARFISM WITH VERTEBRAL AND METAPHYSEAL ABNORMALITIES AND ADVANCED CARPOTARSAL OSSIFICATION. Identifiers: Orphanet 1425, MedGen C4012146, MONDO:0009629, OMIM 251450.
Inborn genetic diseases. Identifiers: MedGen C0950123, MeSH D030342.

Allele frequency attached by ClinVar (database versions not stated): TOPMed 0.00003; gnomAD exomes 0.00004 and 0.00005; gnomAD 0.00005; ExAC 0.00006; ESP Exome Variant Server 0.00008; 1000 Genomes Project 30x 0.00016; 1000 Genomes Project 0.00020.
gnomAD v4.1: 87 of 1,614,184 alleles (0.0054%); highest among the groups gnomAD compares: East Asian, 0.038%; no homozygotes.

Submissions (2):

Labcorp Genetics (formerly Invitae), Labcorp
Classification: Uncertain significance for Desbuquois dysplasia 1. Last evaluated: 2022-11-22. Review status: criteria provided, single submitter. Criteria: Invitae Variant Classification Sherloc (09022015). Collection method: clinical testing. Allele origin: germline.
Comment: In summary, the available evidence is currently insufficient to determine the role of this variant in disease. Therefore, it has been classified as a Variant of Uncertain Significance. Advanced modeling of protein sequence and biophysical properties (such as structural, functional, and spatial information, amino acid conservation, physicochemical variation, residue mobility, and thermodynamic stability) performed at Invitae indicates that this missense variant is not expected to disrupt XYLT1 protein function. ClinVar contains an entry for this variant (Variation ID: 1428576). This variant has not been reported in the literature in individuals affected with XYLT1-related conditions. This variant is present in population databases (rs141257295, gnomAD 0.008%). This sequence change replaces isoleucine, which is neutral and non-polar, with threonine, which is neutral and polar, at codon 609 of the XYLT1 protein (p.Ile609Thr).

Ambry Genetics
Classification: Uncertain significance for Inborn genetic diseases. Last evaluated: 2022-11-10. Review status: criteria provided, single submitter. Criteria: Ambry Variant Classification Scheme 2023. Collection method: clinical testing. Allele origin: germline.